The following is an entry in ClinVar:

NM_000465.4(BARD1):c.1568+9T>G

Gene: BARD1 (BRCA1 associated RING domain 1; minus strand). Cytogenetic location: 2q35.
Variant type: single nucleotide variant.
Coding change: c.1568+9T>G on transcript NM_000465.4 (MANE Select); 9 bases into the intron after coding-DNA position 1568, T replaced by G.
Molecular consequence: intron variant.
Genome position (GRCh38, 1-based): chr2:214,767,473, A>C on the plus strand (T>G on the coding strand, the complement: BARD1 is on the minus strand). VCF-style: chr2-214767473-A-C. GRCh37 (hg19) VCF-style: chr2-215632197-A-C.
Other names: c.159-14918T>G (NM_001282548.2); c.1511+9T>G (NM_001282543.2); c.216-14918T>G (NM_001282545.2); c.364+24824T>G (NM_001282549.2).
Identifiers: ClinVar variation 3379106 (VCV003379106.1).
Genomic context (GRCh38, chr2:214,767,473, plus strand): 5'-CTTTATCACACACCTTGATTCAAGAATATAGGTCCATTTTAAAAATAATTTTTACGTTGA[A>C]CTACTTACACAGCATTTCTGGAGGCTCCATAGGAAAGTAACAGCTTGACTATATCCACAT-3'

ClinVar aggregate classification (germline): Likely benign (1 of 4 stars; one submission).

Conditions:
Familial cancer of breast. Also called: hereditary breast carcinoma; Hereditary breast cancer; BREAST CANCER, FAMILIAL. Identifiers: Orphanet 227535, MedGen C0346153, MONDO:0016419, OMIM 114480. Disease mechanism: loss of function.

Submission:

Myriad Genetics, Inc.
Classification: Likely benign for Familial cancer of breast. Last evaluated: 2024-07-25. Review status: criteria provided, single submitter. Criteria: Myriad Autosomal Dominant, Autosomal Recessive and X-Linked Classification Criteria (2023). Collection method: clinical testing. Allele origin: unknown.
Comment: This variant is considered likely benign. This variant is intronic and is not expected to impact mRNA splicing.